The following is an entry in ClinVar:

NM_020971.3(SPTBN4):c.3589C>T (p.Gln1197Ter)

Gene: SPTBN4 (spectrin beta, non-erythrocytic 4; plus strand). Cytogenetic location: 19q13.2.
Variant type: single nucleotide variant.
Coding change: c.3589C>T on transcript NM_020971.3 (MANE Select); coding-DNA position 3589, C replaced by T.
Protein change: p.Gln1197Ter; replaces glutamine 1197 with a stop codon.
Molecular consequence: nonsense.
Genome position (GRCh38, 1-based): chr19:40,520,086, C>T. VCF-style: chr19-40520086-C-T. GRCh37 (hg19) VCF-style: chr19-41025993-C-T.
Other names: short protein forms Q1197*.
Identifiers: ClinVar variation 1030745 (VCV001030745.1), dbSNP rs1438895984, ClinGen allele CA405916893.

ClinVar aggregate classification (germline): Pathogenic (1 of 4 stars; one submission).

Conditions:
Neurodevelopmental disorder with hypotonia, neuropathy, and deafness (NEDHND). Also called: Myopathy, congenital, with neuropathy and deafness; SPTBN4 Disorder. Identifiers: MedGen C4479603, MONDO:0060496, OMIM 617519.

Submission:

Baylor Genetics
Classification: Pathogenic for Neurodevelopmental disorder with hypotonia, neuropathy, and deafness. Last evaluated: 2020-07-08. Review status: criteria provided, single submitter. Criteria: ACMG Guidelines, 2015. Collection method: clinical testing. Allele origin: unknown. Affected: yes.
Comment: This variant was determined to be pathogenic according to ACMG Guidelines, 2015 [PMID:25741868].